The following is an entry in ClinVar:

ClinVar aggregate classification (germline): Likely pathogenic (1 of 4 stars; one submission).

Conditions:
Alport syndrome. Also called: Hemorrhagic familial nephritis; Hemorrhagic hereditary nephritis; Congenital hereditary hematuria. Identifiers: Orphanet 63, MedGen C1567741, MONDO:0018965.

Submission:

Natera, Inc.
Classification: Likely pathogenic for Alport syndrome. Last evaluated: 2024-08-02. Review status: criteria provided, single submitter. Criteria: Natera Variant Classification Schema (03/2026). Collection method: clinical testing. Allele origin: germline.
Comment: The c.1429del variant in COL4A3 is a frameshift variant predicted to shift the reading frame beginning at codon 477 and leads to a stop codon 21 codons downstream. This variant is expected to result in nonsense mediated decay, truncation, or a dysfunctional protein product. This variant is rare in the general population with a frequency below the threshold expected for the associated phenotype(s). Given the available evidence, this variant is classified as Likely Pathogenic.

NM_000091.5(COL4A3):c.1429del (p.Thr477fs)

Genes: MFF-DT (MFF divergent transcript; minus strand), COL4A3 (collagen type IV alpha 3 chain; plus strand). Cytogenetic location: 2q36.3.
Variant type: Deletion.
Coding change: c.1429del on transcript NM_000091.5 (MANE Select); coding-DNA position 1429, one base deleted (A; older notation c.1429delA).
Protein change: p.Thr477fs; shifts the reading frame from threonine 477.
Molecular consequence: frameshift variant.
Genome position (GRCh38, 1-based): chr2:227,267,013, A deleted. VCF-style (leftmost placement, unchanged base first): chr2-227267012-TA-T. GRCh37 (hg19) VCF-style: chr2-228131728-TA-T.
Other names: c.1429delA, p.Thr477Hisfs (NM_000091.4); short protein forms T477fs.
Identifiers: ClinVar variation 4817181 (VCV004817181.1).